The following is an entry in ClinVar:

NM_173086.5(KRT6C):c.1257A>C (p.Ala419=)

Gene: KRT6C (keratin 6C; minus strand). Cytogenetic location: 12q13.13.
Variant type: single nucleotide variant.
Coding change: c.1257A>C on transcript NM_173086.5 (MANE Select); coding-DNA position 1257, A replaced by C.
Protein change: p.Ala419=; no amino-acid change (alanine 419 retained).
Molecular consequence: synonymous variant.
Genome position (GRCh38, 1-based): chr12:52,469,837, T>G on the plus strand (A>C on the coding strand, the complement: KRT6C is on the minus strand). VCF-style: chr12-52469837-T-G. GRCh37 (hg19) VCF-style: chr12-52863621-T-G.
Identifiers: ClinVar variation 768547 (VCV000768547.15), dbSNP rs382367, ClinGen allele CA6581168.
Genomic context (GRCh38, chr12:52,469,837, plus strand): 5'-CTGCTTGGCCTTCTGCAGGGCATCCTCCAGCCCTTCCAGCTTGTTCTTAGCATCCTTGAG[T>G]GCCATCTCCCCACGCTGCTCAGCATCAGCAATGGCAGCCTGCAGGCTGGCACACTAGGAG-3'
Protein context (NP_775109.2, residues 409-429): IADAEQRGEM[Ala419=]LKDAKNKLEG

ClinVar aggregate classification (germline): Benign/Likely benign. Review status: criteria provided, multiple submitters, no conflicts (2 of 4 stars). 4 submissions from 4 submitters: Benign (1); Likely benign (2). 1 of the submissions does not count toward it. Last evaluated 2026-02-04.

Conditions:
KRT6C-related disorder. Also called: KRT6C-related condition.
Palmoplantar keratoderma, nonepidermolytic, focal or diffuse (PPKNEFD). Also called: PALMOPLANTAR KERATODERMA, FOCAL OR DIFFUSE. Identifiers: Orphanet 402003, MedGen C3810394, MONDO:0014327, OMIM 615735.

Allele frequency attached by ClinVar (database versions not stated): gnomAD 0.49934 and 0.50262; ESP Exome Variant Server 0.47816; 1000 Genomes Project 0.48602; gnomAD exomes 0.56800 and 0.55399; TOPMed 0.50142; ExAC 0.54128; 1000 Genomes Project 30x 0.48173.

Submissions (4):

Labcorp Genetics (formerly Invitae), Labcorp
Classification: Likely benign. Last evaluated: 2026-02-04. Review status: criteria provided, single submitter. Criteria: Invitae Variant Classification Sherloc (09022015). Collection method: clinical testing. Allele origin: germline.

Genome-Nilou Lab
Classification: Benign for Palmoplantar keratoderma, nonepidermolytic, focal or diffuse. Last evaluated: 2021-08-19. Review status: criteria provided, single submitter. Criteria: ACMG Guidelines, 2015. Collection method: clinical testing. Allele origin: germline. Affected: no.

Breakthrough Genomics
Classification: Likely benign. Review status: criteria provided, single submitter. Criteria: ACMG Guidelines, 2015. Collection method: not provided. Allele origin: germline. Inheritance: Autosomal dominant inheritance. Affected: yes.

PreventionGenetics, part of Exact Sciences
Classification: Benign for KRT6C-related condition. Last evaluated: 2019-09-24. Review status: no assertion criteria provided. Collection method: clinical testing. Allele origin: germline. Not counted in ClinVar's aggregate classification.
Comment: This variant is classified as benign based on ACMG/AMP sequence variant interpretation guidelines (Richards et al. 2015 PMID: 25741868, with internal and published modifications).